The following is an entry in ClinVar:

NM_001267550.2(TTN):c.66079C>T (p.Gln22027Ter)

Genes: TTN (titin; minus strand), TTN-AS1 (TTN antisense RNA 1; plus strand). Cytogenetic location: 2q31.2.
Variant type: single nucleotide variant.
Coding change: c.66079C>T on transcript NM_001267550.2 (MANE Select); coding-DNA position 66079, C replaced by T.
Protein change: p.Gln22027Ter; replaces glutamine 22027 with a stop codon.
Molecular consequence: nonsense.
Genome position (GRCh38, 1-based): chr2:178,582,377, G>A on the plus strand (C>T on the coding strand, the complement: TTN is on the minus strand). VCF-style: chr2-178582377-G-A. GRCh37 (hg19) VCF-style: chr2-179447104-G-A.
Other names: c.61156C>T, p.Gln20386Ter (NM_001256850.1); c.38884C>T, p.Gln12962Ter (NM_003319.4); c.58375C>T, p.Gln19459Ter (NM_133378.4); c.39259C>T, p.Gln13087Ter (NM_133432.3); c.39460C>T, p.Gln13154Ter (NM_133437.4); c.66079C>T (NM_001267550.1); short protein forms Q19459*, Q20386*, Q22027*, Q13087*, Q13154*, Q12962*.
Identifiers: ClinVar variation 947715 (VCV000947715.13), dbSNP rs2047976018, ClinGen allele CA349429929.

ClinVar aggregate classification (germline): Pathogenic/Likely pathogenic. Review status: criteria provided, multiple submitters, no conflicts (2 of 4 stars). 3 submissions from 3 submitters: Pathogenic (2); Likely pathogenic (1). Last evaluated 2025-11-12.

Conditions:
Autosomal recessive limb-girdle muscular dystrophy type 2J (LGMDR10). Also called: MUSCULAR DYSTROPHY, LIMB-GIRDLE, AUTOSOMAL RECESSIVE 10; Limb-girdle muscular dystrophy, type 2J. Identifiers: Orphanet 140922, MedGen C1837342, MONDO:0012127, OMIM 608807.
Dilated cardiomyopathy 1G (CMD1G). Identifiers: Orphanet 154, MedGen C1858763, MONDO:0011400, OMIM 604145.

Allele frequency attached by ClinVar (database versions not stated): gnomAD exomes below 0.00001.
gnomAD v4.1: 2 of 1,612,698 alleles (0.00012%); highest among the groups gnomAD compares: Non-Finnish European, 0.00017%; no homozygotes.

Submissions (3):

GeneDx
Classification: Pathogenic. Last evaluated: 2025-11-12. Review status: criteria provided, single submitter. Criteria: GeneDx Variant Classification Process June 2021. Collection method: clinical testing. Allele origin: germline.
Comment: Nonsense variant predicted to result in protein truncation or nonsense mediated decay in a gene for which loss of function is a known mechanism of disease; Located in the A-band, a region of TTN for which truncating variants are significantly associated with autosomal dominant cardiomyopathy and also with autosomal recessive skeletal myopathies (PMID: 22335739, 32778822); Not observed at significant frequency in large population cohorts (gnomAD); Has not been previously published as pathogenic or benign in association with a TTN-related disorder to our knowledge; This variant is associated with the following publications: (PMID: 39096151, 25589632, 23975875, 22335739, 32778822)

Institute of Immunology and Genetics Kaiserslautern
Classification: Pathogenic for Dilated cardiomyopathy 1G. Last evaluated: 2025-06-04. Review status: criteria provided, single submitter. Criteria: ACMG Guidelines, 2015. Collection method: clinical testing. Allele origin: germline. Affected: yes.
Comment: ACMG Criteria:PVS1, PM1, PM2, PP5; Variant was found in heterozygous state.

Labcorp Genetics (formerly Invitae), Labcorp
Classification: Likely pathogenic for Dilated cardiomyopathy 1G; Autosomal recessive limb-girdle muscular dystrophy type 2J. Last evaluated: 2024-10-10. Review status: criteria provided, single submitter. Criteria: Invitae Variant Classification Sherloc (09022015). Collection method: clinical testing. Allele origin: germline.
Comment: This sequence change creates a premature translational stop signal (p.Gln22027*) in the TTN gene. While this is not anticipated to result in nonsense mediated decay, it is expected to create a truncated TTN protein. This variant is not present in population databases (gnomAD no frequency). This variant has not been reported in the literature in individuals affected with TTN-related conditions. ClinVar contains an entry for this variant (Variation ID: 947715). This variant is located in the A band of TTN (PMID: 25589632). Truncating variants in this region are significantly overrepresented in patients affected with dilated cardiomyopathy (PMID: 25589632). Truncating variants in this region have also been reported in individuals affected with autosomal recessive centronuclear myopathy (PMID: 23975875). In summary, the currently available evidence indicates that the variant is pathogenic, but additional data are needed to prove that conclusively. Therefore, this variant has been classified as Likely Pathogenic.

Literature cited by the submitters: PubMed 25589632 (cited by Labcorp Genetics (formerly Invitae), Labcorp); PubMed 23975875 (cited by Labcorp Genetics (formerly Invitae), Labcorp).